The following is an entry in ClinVar:

NM_033087.4(ALG2):c.752G>A (p.Arg251His)

Gene: ALG2 (ALG2 alpha-1,3/1,6-mannosyltransferase; minus strand). Cytogenetic location: 9q22.33.
Variant type: single nucleotide variant.
Coding change: c.752G>A on transcript NM_033087.4 (MANE Select); coding-DNA position 752, G replaced by A.
Protein change: p.Arg251His; replaces arginine 251 with histidine.
Molecular consequence: missense variant. On other transcripts: non-coding transcript variant (1).
Genome position (GRCh38, 1-based): chr9:99,218,433, C>T on the plus strand (G>A on the coding strand, the complement: ALG2 is on the minus strand). VCF-style: chr9-99218433-C-T. GRCh37 (hg19) VCF-style: chr9-101980715-C-T.
Other names: c.752G>A (NM_033087.3); short protein forms R251H.
Identifiers: ClinVar variation 1383932 (VCV001383932.9), dbSNP rs201729325, ClinGen allele CA5156258.

ClinVar aggregate classification (germline): Uncertain significance. Review status: criteria provided, multiple submitters, no conflicts (2 of 4 stars). 2 submissions from 2 submitters: Uncertain significance (2). Last evaluated 2025-04-11.

Conditions:
Congenital disorder of glycosylation, type Ii. Also called: ALG2-congenital disorder of glycosylation; ALG2-CDG; CDG Ii. Identifiers: Orphanet 79326, MedGen C1842836, MONDO:0011933, OMIM 607906.
Congenital myasthenic syndrome 14. Also called: Myasthenic syndrome, congenital, 14, with tubular aggregates. Identifiers: Orphanet 353327, Orphanet 590, MedGen C4015597, MONDO:0014543, OMIM 616228.
Inborn genetic diseases. Identifiers: MedGen C0950123, MeSH D030342.

Allele frequency attached by ClinVar (database versions not stated): gnomAD 0.00002 and 0.00003; ExAC 0.00002; gnomAD exomes 0.00002; TOPMed 0.00002.

Submissions (2):

Ambry Genetics
Classification: Uncertain significance for Inborn genetic diseases. Last evaluated: 2025-04-11. Review status: criteria provided, single submitter. Criteria: Ambry Variant Classification Scheme 2023. Collection method: clinical testing. Allele origin: germline.

Labcorp Genetics (formerly Invitae), Labcorp
Classification: Uncertain significance for Congenital disorder of glycosylation, type Ii; Congenital myasthenic syndrome 14. Last evaluated: 2024-10-18. Review status: criteria provided, single submitter. Criteria: Invitae Variant Classification Sherloc (09022015). Collection method: clinical testing. Allele origin: germline.
Comment: This sequence change replaces arginine, which is basic and polar, with histidine, which is basic and polar, at codon 251 of the ALG2 protein (p.Arg251His). This variant is present in population databases (rs201729325, gnomAD 0.007%). This variant has not been reported in the literature in individuals affected with ALG2-related conditions. ClinVar contains an entry for this variant (Variation ID: 1383932). An algorithm developed to predict the effect of missense changes on protein structure and function (PolyPhen-2) suggests that this variant is likely to be disruptive. In summary, the available evidence is currently insufficient to determine the role of this variant in disease. Therefore, it has been classified as a Variant of Uncertain Significance.